The following is an entry in ClinVar:

NM_002047.4(GARS1):c.1339G>A (p.Ala447Thr)

Gene: GARS1 (glycyl-tRNA synthetase 1; plus strand). Cytogenetic location: 7p14.3.
Variant type: single nucleotide variant.
Coding change: c.1339G>A on transcript NM_002047.4 (MANE Select); coding-DNA position 1339, G replaced by A.
Protein change: p.Ala447Thr; replaces alanine 447 with threonine.
Molecular consequence: missense variant.
Genome position (GRCh38, 1-based): chr7:30,617,258, G>A. VCF-style: chr7-30617258-G-A. GRCh37 (hg19) VCF-style: chr7-30656874-G-A.
Other names: c.1177G>A, p.Ala393Thr (NM_001316772.1); short protein forms A393T, A447T.
Identifiers: ClinVar variation 4688015 (VCV004688015.1), dbSNP rs2534313954.
Genomic context (GRCh38, chr7:30,617,258, plus strand): 5'-CTCCGCTTCCGGCAGCACATGGAGAATGAGATGGCCCATTATGCCTGTGACTGTTGGGAT[G>A]CAGAATCCAAAACATCCTACGTAAGTGGAGTGCTGTTTACCATGTGATTTTCACATTGTT-3'
Protein context (NP_002038.2, residues 437-457): MAHYACDCWD[Ala447Thr]ESKTSYGWIE

ClinVar aggregate classification (germline): Uncertain significance (1 of 4 stars; one submission).

Conditions:
Charcot-Marie-Tooth disease type 2D (CMT2D). Also called: Charcot-Marie-Tooth Neuropathy Type 2D; CHARCOT-MARIE-TOOTH DISEASE, AXONAL, TYPE 2D; CHARCOT-MARIE-TOOTH DISEASE, NEURONAL, TYPE 2D; GARS1 Adolescent- or Early Adult-Onset Hereditary Motor/Sensory Neuropathy (GARS1-HMSN). Identifiers: Orphanet 99938, MedGen C1832274, MONDO:0011091, OMIM 601472.

gnomAD v4.1: 1 of 1,613,946 alleles (0.000062%); highest among the groups gnomAD compares: Non-Finnish European, 0.000085%; no homozygotes.

Submission:

Human Genetics Bochum, Ruhr University Bochum
Classification: Uncertain significance for Charcot-Marie-Tooth disease type 2D. Last evaluated: 2025-01-08. Review status: criteria provided, single submitter. Criteria: ACMG Guidelines, 2015. Collection method: clinical testing. Allele origin: germline. Affected: yes.
Comment: ACMG criteria used to clasify this variant: PP3_MOD, PM2_SUP